The following is an entry in ClinVar:

ClinVar aggregate classification (germline): Conflicting classifications of pathogenicity. Review status: criteria provided, conflicting classifications (1 of 4 stars). 3 submissions from 2 submitters: Uncertain significance (2); Benign (1). Last evaluated 2023-11-08.

Conditions:
Transitory neonatal diabetes mellitus. Also called: Transient neonatal diabetes mellitus. Identifiers: MedGen C0342273, MONDO:0020525, HP:0008255.
Maturity-onset diabetes of the young (MODY). Also called: Maturity onset diabetes mellitus in young. Identifiers: Orphanet 552, MedGen C0342276, MONDO:0018911, HP:0004904.

Submissions (3):

Labcorp Genetics (formerly Invitae), Labcorp
Classification: Benign. Last evaluated: 2023-11-08. Review status: criteria provided, single submitter. Criteria: Invitae Variant Classification Sherloc (09022015). Collection method: clinical testing. Allele origin: germline.

Clinical Genomics, Uppaluri K&H Personalized Medicine Clinic
Classification: Uncertain significance for Transitory neonatal diabetes mellitus. Review status: criteria provided, single submitter. Criteria: K & H Uppaluri Personalized Medicine Clinic Variant Classification & Assertion Criteria_Updated V.1. Collection method: research. Allele origin: somatic. Inheritance: Somatic mutation.
Comment: Mutations in ABCC8 gene are associated with both neonatal diabetes mellitus as well as MODY. Patients with this mutation may have a better response to sulfonylureas. However, no sufficient evidence is found to ascertain the role of this particular variant (rs1564874257 ) in neonatal diabetes yet.

Clinical Genomics, Uppaluri K&H Personalized Medicine Clinic
Classification: Uncertain significance for Maturity-onset diabetes of the young. Review status: criteria provided, single submitter. Criteria: K & H Uppaluri Personalized Medicine Clinic Variant Classification & Assertion Criteria_Updated V.1. Collection method: research. Allele origin: somatic. Inheritance: Somatic mutation.
Comment: Mutations in ABCC8 gene are associated with both neonatal diabetes mellitus as well as MODY. Patients with this mutation may have a better response to sulfonylureas. However, no sufficient evidence is found to ascertain the role of this particular variant ( rs1564874257) in MODY yet.

Literature cited by the submitters: PubMed 16885549 (cited by Clinical Genomics, Uppaluri K&H Personalized Medicine Clinic); PubMed 21989597 (cited by Clinical Genomics, Uppaluri K&H Personalized Medicine Clinic); PubMed 27538677 (cited by Clinical Genomics, Uppaluri K&H Personalized Medicine Clinic); PubMed 18981553 (cited by Clinical Genomics, Uppaluri K&H Personalized Medicine Clinic); PubMed 32027066 (cited by Clinical Genomics, Uppaluri K&H Personalized Medicine Clinic); PubMed 16613899 (cited by Clinical Genomics, Uppaluri K&H Personalized Medicine Clinic); PubMed 18025408 (cited by Clinical Genomics, Uppaluri K&H Personalized Medicine Clinic); PubMed 32792356 (cited by Clinical Genomics, Uppaluri K&H Personalized Medicine Clinic).

NM_000352.6(ABCC8):c.4307+9del

Gene: ABCC8 (ATP binding cassette subfamily C member 8; minus strand). Cytogenetic location: 11p15.1.
Variant type: Deletion.
Coding change: c.4307+9del on transcript NM_000352.6 (MANE Select); 9 bases into the intron after coding-DNA position 4307, one base deleted (C; older notation c.4307+9delC).
Molecular consequence: intron variant.
Genome position (GRCh38, 1-based): chr11:17,395,601, G deleted on the plus strand (C on the coding strand, the reverse complement: ABCC8 is on the minus strand); the first of 4 consecutive G bases (chr11:17,395,601-17,395,604); deleting any one gives the same sequence. VCF-style (leftmost placement, unchanged base first): chr11-17395600-TG-T. GRCh37 (hg19) VCF-style: chr11-17417147-TG-T.
Other names: c.4304+9del (NM_001351297.2); c.4307+9del (NM_001351296.2); c.4373+9del (NM_001351295.2); c.4310+9del (NM_001287174.3).
Identifiers: ClinVar variation 753016 (VCV000753016.9), dbSNP rs1564874257, ClinGen allele CA597904404.